The following is an entry in ClinVar:

ClinVar aggregate classification (germline): Uncertain significance. Review status: criteria provided, multiple submitters, no conflicts (2 of 4 stars). 2 submissions from 2 submitters: Uncertain significance (2). Last evaluated 2025-07-21.

Conditions:
Hereditary cancer-predisposing syndrome. Also called: Neoplastic Syndromes, Hereditary; Tumor predisposition; Hereditary neoplastic syndrome; Hereditary Cancer Syndrome. Identifiers: Orphanet 140162, MedGen C0027672, MeSH D009386, MONDO:0015356.

gnomAD v4.1: 1 of 1,614,024 alleles (0.000062%); no homozygotes.

Submissions (2):

Ambry Genetics
Classification: Uncertain significance for Hereditary cancer-predisposing syndrome. Last evaluated: 2025-07-21. Review status: criteria provided, single submitter. Criteria: Ambry Variant Classification Scheme 2023. Collection method: clinical testing. Allele origin: germline.
Comment: The p.L1850Q variant (also known as c.5549T>A), located in coding exon 40 of the POLE gene, results from a T to A substitution at nucleotide position 5549. The leucine at codon 1850 is replaced by glutamine, an amino acid with dissimilar properties. This amino acid position is highly conserved in available vertebrate species. In addition, the in silico prediction for this alteration is inconclusive. Based on the available evidence, the clinical significance of this variant remains unclear.

Labcorp Genetics (formerly Invitae), Labcorp
Classification: Uncertain significance. Last evaluated: 2024-05-19. Review status: criteria provided, single submitter. Criteria: Invitae Variant Classification Sherloc (09022015). Collection method: clinical testing. Allele origin: germline.
Comment: This sequence change replaces leucine, which is neutral and non-polar, with glutamine, which is neutral and polar, at codon 1850 of the POLE protein (p.Leu1850Gln). This variant is not present in population databases (gnomAD no frequency). This variant has not been reported in the literature in individuals affected with POLE-related conditions. ClinVar contains an entry for this variant (Variation ID: 581168). Advanced modeling of protein sequence and biophysical properties (such as structural, functional, and spatial information, amino acid conservation, physicochemical variation, residue mobility, and thermodynamic stability) performed at Invitae indicates that this missense variant is not expected to disrupt POLE protein function with a negative predictive value of 80%. In summary, the available evidence is currently insufficient to determine the role of this variant in disease. Therefore, it has been classified as a Variant of Uncertain Significance.

NM_006231.4(POLE):c.5549T>A (p.Leu1850Gln)

Gene: POLE (DNA polymerase epsilon, catalytic subunit; minus strand). Cytogenetic location: 12q24.33.
Variant type: single nucleotide variant.
Coding change: c.5549T>A on transcript NM_006231.4 (MANE Select); coding-DNA position 5549, T replaced by A.
Protein change: p.Leu1850Gln; replaces leucine 1850 with glutamine.
Molecular consequence: missense variant.
Genome position (GRCh38, 1-based): chr12:132,639,128, A>T on the plus strand (T>A on the coding strand, the complement: POLE is on the minus strand). VCF-style: chr12-132639128-A-T. GRCh37 (hg19) VCF-style: chr12-133215714-A-T.
Other names: short protein forms L1850Q.
Identifiers: ClinVar variation 581168 (VCV000581168.13), dbSNP rs1565932919, ClinGen allele CA387374529.